The following is an entry in ClinVar:

NM_022042.4(SLC26A1):c.48_71del (p.Val17_Pro24del)

Genes: IDUA (alpha-L-iduronidase; plus strand), SLC26A1 (solute carrier family 26 member 1; minus strand). Cytogenetic location: 4p16.3.
Variant type: Deletion.
Coding change: c.48_71del on transcript NM_022042.4 (MANE Select); coding-DNA positions 48 to 71, 24 bases deleted (GGTCCGACGGCAGCGCCCAGCACC).
Protein change: p.Val17_Pro24del.
Molecular consequence: inframe deletion. On other transcripts: intron variant (1).
Genome position (GRCh38, 1-based): chr4:991,633-991,656, GGTGCTGGGCGCTGCCGTCGGACC deleted on the plus strand (GGTCCGACGGCAGCGCCCAGCACC on the coding strand, the reverse complement: SLC26A1 is on the minus strand); deleting any 24 consecutive bases within chr4:991,633-991,658 gives the same sequence; the c. name uses the placement nearest the transcript's 3' end. VCF-style (leftmost placement, unchanged base first): chr4-991632-GGGTGCTGGGCGCTGCCGTCGGACC-G. GRCh37 (hg19) VCF-style: chr4-985420-GGGTGCTGGGCGCTGCCGTCGGACC-G.
Other names: c.48_71del, p.Val17_Pro24del (NM_134425.4, NM_213613.4); c.299+3686_299+3709del (NM_000203.5).
Identifiers: ClinVar variation 1040872 (VCV001040872.6), dbSNP rs1714347111, ClinGen allele CA1058443912.

ClinVar aggregate classification (germline): Uncertain significance (1 of 4 stars; one submission).

Submission:

Labcorp Genetics (formerly Invitae), Labcorp
Classification: Uncertain significance. Last evaluated: 2023-08-14. Review status: criteria provided, single submitter. Criteria: Invitae Variant Classification Sherloc (09022015). Collection method: clinical testing. Allele origin: germline.
Comment: This variant, c.48_71del, results in the deletion of 8 amino acid(s) of the SLC26A1 protein (p.Val17_Pro24del), but otherwise preserves the integrity of the reading frame. This variant is not present in population databases (gnomAD no frequency). This variant has not been reported in the literature in individuals affected with SLC26A1-related conditions. ClinVar contains an entry for this variant (Variation ID: 1040872). Experimental studies and prediction algorithms are not available or were not evaluated, and the functional significance of this variant is currently unknown. In summary, the available evidence is currently insufficient to determine the role of this variant in disease. Therefore, it has been classified as a Variant of Uncertain Significance.